The following is an entry in ClinVar:

ClinVar aggregate classification (germline): Likely benign (1 of 4 stars; one submission).

Allele frequency attached by ClinVar (database versions not stated): gnomAD 0.00001.

Submission:

CeGaT Center for Human Genetics Tuebingen
Classification: Likely benign. Last evaluated: 2022-11-01. Review status: criteria provided, single submitter. Criteria: CeGaT Center For Human Genetics Tuebingen Variant Classification Criteria Version 2. Collection method: clinical testing. Allele origin: germline. Affected: yes. Observed: 1 variant allele.
Comment: PRKDC: BP4, BP7

NM_006904.7(PRKDC):c.7605C>T (p.Thr2535=)

Gene: PRKDC (protein kinase, DNA-activated, catalytic subunit; minus strand). Cytogenetic location: 8q11.21.
Variant type: single nucleotide variant.
Coding change: c.7605C>T on transcript NM_006904.7 (MANE Select); coding-DNA position 7605, C replaced by T.
Protein change: p.Thr2535=; no amino-acid change (threonine 2535 retained).
Molecular consequence: synonymous variant.
Genome position (GRCh38, 1-based): chr8:47,837,368, G>A on the plus strand (C>T on the coding strand, the complement: PRKDC is on the minus strand). VCF-style: chr8-47837368-G-A. GRCh37 (hg19) VCF-style: chr8-48749929-G-A.
Other names: c.7605C>T, p.Thr2535= (NM_001081640.2).
Identifiers: ClinVar variation 2658591 (VCV002658591.24), dbSNP rs1339305606, ClinGen allele CA460604639.